The following is an entry in ClinVar:

ClinVar aggregate classification (germline): Uncertain significance (1 of 4 stars; one submission).

Submission:

Labcorp Genetics (formerly Invitae), Labcorp
Classification: Uncertain significance. Last evaluated: 2022-07-19. Review status: criteria provided, single submitter. Criteria: Invitae Variant Classification Sherloc (09022015). Collection method: clinical testing. Allele origin: germline.
Comment: In summary, the available evidence is currently insufficient to determine the role of this variant in disease. Therefore, it has been classified as a Variant of Uncertain Significance. Algorithms developed to predict the effect of missense changes on protein structure and function are either unavailable or do not agree on the potential impact of this missense change (SIFT: "Deleterious"; PolyPhen-2: "Benign"; Align-GVGD: "Class C25"). ClinVar contains an entry for this variant (Variation ID: 1391071). This variant has not been reported in the literature in individuals affected with PLAA-related conditions. This variant is not present in population databases (gnomAD no frequency). This sequence change replaces valine, which is neutral and non-polar, with alanine, which is neutral and non-polar, at codon 362 of the PLAA protein (p.Val362Ala).

NM_001031689.3(PLAA):c.1085T>C (p.Val362Ala)

Gene: PLAA (phospholipase A2 activating protein; minus strand). Cytogenetic location: 9p21.2.
Variant type: single nucleotide variant.
Coding change: c.1085T>C on transcript NM_001031689.3 (MANE Select); coding-DNA position 1085, T replaced by C.
Protein change: p.Val362Ala; replaces valine 362 with alanine.
Molecular consequence: missense variant.
Genome position (GRCh38, 1-based): chr9:26,920,339, A>G on the plus strand (T>C on the coding strand, the complement: PLAA is on the minus strand). VCF-style: chr9-26920339-A-G. GRCh37 (hg19) VCF-style: chr9-26920337-A-G.
Other names: c.1085T>C, p.Val362Ala (NM_001321546.2); short protein forms V362A.
Identifiers: ClinVar variation 1391071 (VCV001391071.6), dbSNP rs2131381440, ClinGen allele CA373132617.